The following is an entry in ClinVar:

NM_153026.3(PRICKLE1):c.439C>T (p.Pro147Ser)

Gene: PRICKLE1 (prickle planar cell polarity protein 1; minus strand). Cytogenetic location: 12q12.
Variant type: single nucleotide variant.
Coding change: c.439C>T on transcript NM_153026.3 (MANE Select); coding-DNA position 439, C replaced by T.
Protein change: p.Pro147Ser; replaces proline 147 with serine.
Molecular consequence: missense variant.
Genome position (GRCh38, 1-based): chr12:42,468,775, G>A on the plus strand (C>T on the coding strand, the complement: PRICKLE1 is on the minus strand). VCF-style: chr12-42468775-G-A. GRCh37 (hg19) VCF-style: chr12-42862577-G-A.
Other names: c.439C>T, p.Pro147Ser (NM_001144881.2, NM_001144882.2, NM_001144883.2); short protein forms P147S.
Identifiers: ClinVar variation 1393181 (VCV001393181.6), dbSNP rs1938202392, ClinGen allele CA384443983.
Genomic context (GRCh38, chr12:42,468,775, plus strand): 5'-CGACCAGCAGCTCATTACACGTGAAACAGACAAAACAGGATGGGTGCCAGCACACACCAG[G>A]GCCCGCACGGGAGGCGAACACTGCAACTTCACCTCCATTTATCTTCAAACCACACTACAA-3'
Protein context (NP_694571.2, residues 137-157): EVAVFASRAG[Pro147Ser]GVCWHPSCFV

ClinVar aggregate classification (germline): Uncertain significance (1 of 4 stars; one submission).

Conditions:
Epilepsy, progressive myoclonic, 1B. Also called: PME. Identifiers: Orphanet 308, MedGen C2676254, MONDO:0012904, OMIM 612437.

Allele frequency attached by ClinVar (database versions not stated): TOPMed below 0.00001.

Submission:

Labcorp Genetics (formerly Invitae), Labcorp
Classification: Uncertain significance for Epilepsy, progressive myoclonic, 1B. Last evaluated: 2023-09-05. Review status: criteria provided, single submitter. Criteria: Invitae Variant Classification Sherloc (09022015). Collection method: clinical testing. Allele origin: germline.
Comment: In summary, the available evidence is currently insufficient to determine the role of this variant in disease. Therefore, it has been classified as a Variant of Uncertain Significance. Advanced modeling of protein sequence and biophysical properties (such as structural, functional, and spatial information, amino acid conservation, physicochemical variation, residue mobility, and thermodynamic stability) performed at Invitae indicates that this missense variant is not expected to disrupt PRICKLE1 protein function. ClinVar contains an entry for this variant (Variation ID: 1393181). This variant has not been reported in the literature in individuals affected with PRICKLE1-related conditions. This variant is not present in population databases (gnomAD no frequency). This sequence change replaces proline, which is neutral and non-polar, with serine, which is neutral and polar, at codon 147 of the PRICKLE1 protein (p.Pro147Ser).